The following is an entry in ClinVar:

ClinVar aggregate classification (germline): Pathogenic (1 of 4 stars; one submission).

Conditions:
Hereditary cancer-predisposing syndrome. Also called: Neoplastic Syndromes, Hereditary; Tumor predisposition; Hereditary Cancer Syndrome; Hereditary neoplastic syndrome. Identifiers: Orphanet 140162, MedGen C0027672, MeSH D009386, MONDO:0015356.

Submission:

Ambry Genetics
Classification: Pathogenic for Hereditary cancer-predisposing syndrome. Last evaluated: 2021-10-25. Review status: criteria provided, single submitter. Criteria: Ambry Variant Classification Scheme 2023. Collection method: clinical testing. Allele origin: germline.
Comment: The p.Y1147* pathogenic mutation (also known as c.3441C>A), located in coding exon 15 of the APC gene, results from a C to A substitution at nucleotide position 3441. This changes the amino acid from a tyrosine to a stop codon within coding exon 15. This alteration occurs at the 3' terminus of theAPC gene, is not expected to trigger nonsense-mediated mRNA decay and impacts the last 1697 amino acids of the protein. However, premature stop codons are typically deleterious in nature and the impacted region is critical for protein function and a significant portion of the protein is affected (Ambry internal data). This mutation has been identified in multiple individuals meeting clinical criteria for FAP/AFAP (Lagarde A et al. J Med Genet, 2010 Oct;47:721-2; Friedl W et al. Hered Cancer Clin Pract, 2005 Sep;3:95-114). This variant is considered to be rare based on population cohorts in the Genome Aggregation Database (gnomAD). Based on the supporting evidence, this alteration is interpreted as a disease-causing mutation.

Literature cited by the submitters: PubMed 20223039; PubMed 20685668.

NM_000038.6(APC):c.3441C>A (p.Tyr1147Ter)

Gene: APC (APC regulator of Wnt signaling pathway; plus strand). Cytogenetic location: 5q22.2.
Variant type: single nucleotide variant.
Coding change: c.3441C>A on transcript NM_000038.6 (MANE Select); coding-DNA position 3441, C replaced by A.
Protein change: p.Tyr1147Ter; replaces tyrosine 1147 with a stop codon.
Molecular consequence: nonsense.
Genome position (GRCh38, 1-based): chr5:112,839,035, C>A. VCF-style: chr5-112839035-C-A. GRCh37 (hg19) VCF-style: chr5-112174732-C-A.
Other names: c.3441C>A, p.Tyr1147Ter (NM_001127510.3, NM_001354895.2, NM_001407450.1); c.3387C>A, p.Tyr1129Ter (NM_001127511.3); c.3495C>A, p.Tyr1165Ter (NM_001354896.2, NM_001407447.1, NM_001407448.1 and 1 more transcripts); c.3471C>A, p.Tyr1157Ter (NM_001354897.2); c.3366C>A, p.Tyr1122Ter (NM_001354898.2); c.3357C>A, p.Tyr1119Ter (NM_001354899.2); c.3318C>A, p.Tyr1106Ter (NM_001354900.2); c.3264C>A, p.Tyr1088Ter (NM_001354901.2, NM_001407453.1); and 11 more; short protein forms Y1064*, Y1106*, Y1137*, Y1140*, Y1175*, Y864*, Y1018*, Y1056*.
Identifiers: ClinVar variation 1731471 (VCV001731471.2), dbSNP rs2149891970, ClinGen allele CA16028876.